The following is an entry in ClinVar:

ClinVar aggregate classification (germline): Uncertain significance (1 of 4 stars; one submission).

Allele frequency attached by ClinVar (database versions not stated): gnomAD exomes below 0.00001; gnomAD 0.00001; TOPMed 0.00001.
gnomAD v4.1: 7 of 1,613,992 alleles (0.00043%); highest among the groups gnomAD compares: Non-Finnish European, 0.00051%; no homozygotes.

Submission:

Labcorp Genetics (formerly Invitae), Labcorp
Classification: Uncertain significance. Last evaluated: 2025-04-16. Review status: criteria provided, single submitter. Criteria: Invitae Variant Classification Sherloc (09022015). Collection method: clinical testing. Allele origin: germline.
Comment: This sequence change replaces methionine, which is neutral and non-polar, with threonine, which is neutral and polar, at codon 908 of the COL9A1 protein (p.Met908Thr). This variant is present in population databases (no rsID available, gnomAD 0.007%). This variant has not been reported in the literature in individuals affected with COL9A1-related conditions. ClinVar contains an entry for this variant (Variation ID: 961268). Invitae Evidence Modeling of protein sequence and biophysical properties (such as structural, functional, and spatial information, amino acid conservation, physicochemical variation, residue mobility, and thermodynamic stability) indicates that this missense variant is not expected to disrupt COL9A1 protein function with a negative predictive value of 95%. In summary, the available evidence is currently insufficient to determine the role of this variant in disease. Therefore, it has been classified as a Variant of Uncertain Significance.

NM_001851.6(COL9A1):c.2723T>C (p.Met908Thr)

Gene: COL9A1 (collagen type IX alpha 1 chain; minus strand). Cytogenetic location: 6q13.
Variant type: single nucleotide variant.
Coding change: c.2723T>C on transcript NM_001851.6 (MANE Select); coding-DNA position 2723, T replaced by C.
Protein change: p.Met908Thr; replaces methionine 908 with threonine.
Molecular consequence: missense variant. On other transcripts: non-coding transcript variant (1).
Genome position (GRCh38, 1-based): chr6:70,216,940, A>G on the plus strand (T>C on the coding strand, the complement: COL9A1 is on the minus strand). VCF-style: chr6-70216940-A-G. GRCh37 (hg19) VCF-style: chr6-70926643-A-G.
Other names: c.2024T>C, p.Met675Thr (NM_001377289.1); c.1847T>C, p.Met616Thr (NM_001377290.1); c.1994T>C, p.Met665Thr (NM_078485.4); short protein forms M665T, M908T, M616T, M675T.
Identifiers: ClinVar variation 961268 (VCV000961268.8), dbSNP rs1412263011, ClinGen allele CA364667756.